The following is an entry in ClinVar:

ClinVar aggregate classification (germline): Uncertain significance (1 of 4 stars; one submission).

Conditions:
Inborn genetic diseases. Identifiers: MedGen C0950123, MeSH D030342.

Submission:

Ambry Genetics
Classification: Uncertain significance for Inborn genetic diseases. Last evaluated: 2024-12-14. Review status: criteria provided, single submitter. Criteria: Ambry Variant Classification Scheme 2023. Collection method: clinical testing. Allele origin: germline.
Comment: The p.T786I variant (also known as c.2357C>T), located in coding exon 1 of the SAMD9L gene, results from a C to T substitution at nucleotide position 2357. The threonine at codon 786 is replaced by isoleucine, an amino acid with similar properties. This amino acid position is conserved. In addition, this alteration is predicted to be tolerated by in silico analysis. Based on the available evidence, the clinical significance of this variant remains unclear.

NM_152703.5(SAMD9L):c.2357C>T (p.Thr786Ile)

Gene: SAMD9L (sterile alpha motif domain containing 9 like; minus strand). Cytogenetic location: 7q21.2.
Variant type: single nucleotide variant.
Coding change: c.2357C>T on transcript NM_152703.5 (MANE Select); coding-DNA position 2357, C replaced by T.
Protein change: p.Thr786Ile; replaces threonine 786 with isoleucine.
Molecular consequence: missense variant.
Genome position (GRCh38, 1-based): chr7:93,133,615, G>A on the plus strand (C>T on the coding strand, the complement: SAMD9L is on the minus strand). VCF-style: chr7-93133615-G-A. GRCh37 (hg19) VCF-style: chr7-92762928-G-A.
Other names: c.2357C>T, p.Thr786Ile (NM_001303496.3, NM_001303497.3, NM_001303498.3 and 5 more transcripts); short protein forms T786I.
Identifiers: ClinVar variation 3792196 (VCV003792196.1).